The following is an entry in ClinVar:

NM_199420.4(POLQ):c.539A>G (p.His180Arg)

Gene: POLQ (DNA polymerase theta; minus strand). Cytogenetic location: 3q13.33.
Variant type: single nucleotide variant.
Coding change: c.539A>G on transcript NM_199420.4 (MANE Select); coding-DNA position 539, A replaced by G.
Protein change: p.His180Arg; replaces histidine 180 with arginine.
Molecular consequence: missense variant.
Genome position (GRCh38, 1-based): chr3:121,539,525, T>C on the plus strand (A>G on the coding strand, the complement: POLQ is on the minus strand). VCF-style: chr3-121539525-T-C. GRCh37 (hg19) VCF-style: chr3-121258372-T-C.
Other names: short protein forms H180R.
Identifiers: ClinVar variation 2448994 (VCV002448994.2), dbSNP rs1315994314, ClinGen allele CA354091180.

ClinVar aggregate classification (germline): Uncertain significance (1 of 4 stars; one submission).

Allele frequency attached by ClinVar (database versions not stated): gnomAD 0.00001; gnomAD exomes 0.00001.
gnomAD v4.1: 7 of 1,612,478 alleles (0.00043%); highest among the groups gnomAD compares: South Asian, 0.0077%; no homozygotes.

Submission:

Ambry Genetics
Classification: Uncertain significance. Last evaluated: 2023-01-28. Review status: criteria provided, single submitter. Criteria: Ambry Variant Classification Scheme 2023. Collection method: clinical testing. Allele origin: germline.
Comment: The p.H180R variant (also known as c.539A>G), located in coding exon 4 of the POLQ gene, results from an A to G substitution at nucleotide position 539. The histidine at codon 180 is replaced by arginine, an amino acid with highly similar properties. This amino acid position is conserved. In addition, this alteration is predicted to be tolerated by in silico analysis. Since supporting evidence is limited at this time, the clinical significance of this alteration remains unclear.